The following is an entry in ClinVar:

NM_005188.4(CBL):c.107ACC[5] (p.His41_His42del)

Genes: CBL (Cbl proto-oncogene; plus strand), LOC130006895 (ATAC-STARR-seq lymphoblastoid silent region 3975; plus strand). Cytogenetic location: 11q23.3.
Variant type: Microsatellite.
Coding change: c.107ACC[5] on transcript NM_005188.4 (MANE Select); five copies in a row of the 3-base unit ACC starting at c.107; the reference has seven copies in a row; two copies, 6 bases deleted.
Protein change: p.His41_His42del.
Molecular consequence: inframe deletion.
Genome position (GRCh38, 1-based): chr11:119,206,539-119,206,544, ACCACC deleted; deleting any 6 consecutive bases within chr11:119,206,523-119,206,544 gives the same sequence; the position shown is the placement nearest the transcript's 3' end. VCF-style (leftmost placement, unchanged base first): chr11-119206522-GCACCAC-G. GRCh37 (hg19) VCF-style: chr11-119077232-GCACCAC-G.
Other names: c.122_127delACCACC (NM_005188.4).
Identifiers: ClinVar variation 2726764 (VCV002726764.4), dbSNP rs373212940, ClinGen allele CA602578770.
Genomic context (GRCh38, chr11:119,206,522, plus strand): 5'-CGGCTCCGGGGGCTCGGGTTCGGGTGGCCTGATTGGGCTCATGAAGGACGCCTTCCAGCC[GCACCAC>G]CACCACCACCACCACCTCAGCCCCCACCCGCCGGGGACGGTGGACAAGAAGATGGTGGAG-3'

ClinVar aggregate classification (germline): Uncertain significance. Review status: criteria provided, multiple submitters, no conflicts (2 of 4 stars). 2 submissions from 2 submitters: Uncertain significance (2). Last evaluated 2025-07-29.

Conditions:
RASopathy. Also called: rasopathies; Noonan spectrum disorder. Identifiers: Orphanet 536391, MedGen C5555857, MONDO:0021060.

Submissions (2):

Labcorp Genetics (formerly Invitae), Labcorp
Classification: Uncertain significance for RASopathy. Last evaluated: 2025-07-29. Review status: criteria provided, single submitter. Criteria: Invitae Variant Classification Sherloc (09022015). Collection method: clinical testing. Allele origin: germline.
Comment: This variant, c.122_127del, results in the deletion of 2 amino acid(s) of the CBL protein (p.His41_His42del), but otherwise preserves the integrity of the reading frame. The frequency data for this variant in the population databases is considered unreliable, as metrics indicate poor data quality at this position in the gnomAD database. This variant has not been reported in the literature in individuals affected with CBL-related conditions. Experimental studies and prediction algorithms are not available or were not evaluated, and the functional significance of this variant is currently unknown. In summary, the available evidence is currently insufficient to determine the role of this variant in disease. Therefore, it has been classified as a Variant of Uncertain Significance.

Women's Health and Genetics/Laboratory Corporation of America, LabCorp
Classification: Uncertain significance. Last evaluated: 2025-02-14. Review status: criteria provided, single submitter. Criteria: LabCorp Variant Classification Summary - May 2015. Collection method: clinical testing. Allele origin: germline.
Comment: Variant summary: CBL c.122_127delACCACC (p.His41_His42del) results in an in-frame deletion that is predicted to remove two amino acids from the encoded protein. The frequency data for this variant in gnomAD is considered unreliable, as metrics indicate poor data quality at this position. To our knowledge, no occurrence of c.122_127delACCACC in individuals affected with Noonan Syndrome-Like Disorder and no experimental evidence demonstrating its impact on protein function have been reported. ClinVar contains an entry for this variant (Variation ID: 2726764). Based on the evidence outlined above, the variant was classified as uncertain significance.